The following is an entry in ClinVar:

NM_001160372.4(TRAPPC9):c.1952C>T (p.Pro651Leu)

Gene: TRAPPC9 (trafficking protein particle complex subunit 9; minus strand). Cytogenetic location: 8q24.3.
Variant type: single nucleotide variant.
Coding change: c.1952C>T on transcript NM_001160372.4 (MANE Select); coding-DNA position 1952, C replaced by T.
Protein change: p.Pro651Leu; replaces proline 651 with leucine.
Molecular consequence: missense variant. On other transcripts: non-coding transcript variant (1).
Genome position (GRCh38, 1-based): chr8:140,287,637, G>A on the plus strand (C>T on the coding strand, the complement: TRAPPC9 is on the minus strand). VCF-style: chr8-140287637-G-A. GRCh37 (hg19) VCF-style: chr8-141297736-G-A.
Other names: c.1925C>T, p.Pro642Leu (NM_001321646.2); c.1973C>T, p.Pro658Leu (NM_001374682.1); c.1952C>T, p.Pro651Leu (NM_001374683.1, NM_031466.8); c.1808C>T, p.Pro603Leu (NM_001374684.1); short protein forms P642L, P658L, P603L, P651L.
Identifiers: ClinVar variation 1029167 (VCV001029167.1), dbSNP rs143323381, ClinGen allele CA4893261.

ClinVar aggregate classification (germline): Uncertain significance (1 of 4 stars; one submission).

Conditions:
Intellectual developmental disorder, autosomal recessive 13. Also called: Intellectual disability, autosomal recessive 13. Identifiers: Orphanet 88616, MedGen C2750791, MONDO:0013173, OMIM 613192.

Allele frequency attached by ClinVar (database versions not stated): ExAC 0.00007; ESP Exome Variant Server 0.00008; gnomAD exomes 0.00001 and 0.00004; TOPMed 0.00003; gnomAD 0.00003.
gnomAD v4.1: 24 of 1,614,028 alleles (0.0015%); highest among the groups gnomAD compares: Middle Eastern, 0.016%; 1 homozygote.

Submission:

Baylor Genetics
Classification: Uncertain significance for Intellectual developmental disorder, autosomal recessive 13. Last evaluated: 2019-10-07. Review status: criteria provided, single submitter. Criteria: ACMG Guidelines, 2015. Collection method: clinical testing. Allele origin: unknown. Affected: yes.
Comment: This variant was determined to be of uncertain significance according to ACMG Guidelines, 2015 [PMID:25741868].